The following is an entry in ClinVar:

NM_017838.4(NHP2):c.19G>C (p.Asp7His)

Gene: NHP2 (NHP2 ribonucleoprotein; minus strand). Cytogenetic location: 5q35.3.
Variant type: single nucleotide variant.
Coding change: c.19G>C on transcript NM_017838.4 (MANE Select); coding-DNA position 19, G replaced by C.
Protein change: p.Asp7His; replaces aspartic acid 7 with histidine.
Molecular consequence: missense variant.
Genome position (GRCh38, 1-based): chr5:178,153,799, C>G on the plus strand (G>C on the coding strand, the complement: NHP2 is on the minus strand). VCF-style: chr5-178153799-C-G. GRCh37 (hg19) VCF-style: chr5-177580800-C-G.
Other names: c.19G>C, p.Asp7His (NM_001034833.2); short protein forms D7H.
Identifiers: ClinVar variation 645177 (VCV000645177.10), dbSNP rs1581138326, ClinGen allele CA362393200.

ClinVar aggregate classification (germline): Uncertain significance (1 of 4 stars; one submission).

Conditions:
Dyskeratosis congenita. Identifiers: Orphanet 1775, MedGen C0265965, MONDO:0015780.

Submission:

Labcorp Genetics (formerly Invitae), Labcorp
Classification: Uncertain significance for Dyskeratosis congenita. Last evaluated: 2020-09-11. Review status: criteria provided, single submitter. Criteria: Invitae Variant Classification Sherloc (09022015). Collection method: clinical testing. Allele origin: germline.
Comment: Algorithms developed to predict the effect of missense changes on protein structure and function are either unavailable or do not agree on the potential impact of this missense change (SIFT: "Deleterious"; PolyPhen-2: "Benign"; Align-GVGD: "Class C0"). This sequence change replaces aspartic acid with histidine at codon 7 of the NHP2 protein (p.Asp7His). The aspartic acid residue is weakly conserved and there is a moderate physicochemical difference between aspartic acid and histidine. This variant is not present in population databases (ExAC no frequency). This variant has not been reported in the literature in individuals with NHP2-related conditions. In summary, the available evidence is currently insufficient to determine the role of this variant in disease. Therefore, it has been classified as a Variant of Uncertain Significance.